The following is an entry in ClinVar:

NM_001146.5(ANGPT1):c.818A>G (p.Lys273Arg)

Gene: ANGPT1 (angiopoietin 1; minus strand). Cytogenetic location: 8q23.1.
Variant type: single nucleotide variant.
Coding change: c.818A>G on transcript NM_001146.5 (MANE Select); coding-DNA position 818, A replaced by G.
Protein change: p.Lys273Arg; replaces lysine 273 with arginine.
Molecular consequence: missense variant.
Genome position (GRCh38, 1-based): chr8:107,303,358, T>C on the plus strand (A>G on the coding strand, the complement: ANGPT1 is on the minus strand). VCF-style: chr8-107303358-T-C. GRCh37 (hg19) VCF-style: chr8-108315586-T-C.
Other names: c.815A>G, p.Lys272Arg (NM_001199859.3); c.218A>G, p.Lys73Arg (NM_001314051.2); short protein forms K73R, K272R, K273R.
Identifiers: ClinVar variation 1352419 (VCV001352419.8), dbSNP rs1315102274, ClinGen allele CA372033476.

ClinVar aggregate classification (germline): Uncertain significance (1 of 4 stars; one submission).

Allele frequency attached by ClinVar (database versions not stated): gnomAD exomes below 0.00001; TOPMed below 0.00001; gnomAD 0.00001.
gnomAD v4.1: 4 of 1,583,198 alleles (0.00025%); highest among the groups gnomAD compares: African/African-American, 0.0014%; no homozygotes.

Submission:

Labcorp Genetics (formerly Invitae), Labcorp
Classification: Uncertain significance. Last evaluated: 2024-08-10. Review status: criteria provided, single submitter. Criteria: Invitae Variant Classification Sherloc (09022015). Collection method: clinical testing. Allele origin: germline.
Comment: This sequence change replaces lysine, which is basic and polar, with arginine, which is basic and polar, at codon 273 of the ANGPT1 protein (p.Lys273Arg). This variant is not present in population databases (gnomAD no frequency). This variant has not been reported in the literature in individuals affected with ANGPT1-related conditions. ClinVar contains an entry for this variant (Variation ID: 1352419). An algorithm developed to predict the effect of missense changes on protein structure and function (PolyPhen-2) suggests that this variant is likely to be tolerated. In summary, the available evidence is currently insufficient to determine the role of this variant in disease. Therefore, it has been classified as a Variant of Uncertain Significance.